The following is an entry in ClinVar:

ClinVar aggregate classification (germline): Uncertain significance. Review status: criteria provided, multiple submitters, no conflicts (2 of 4 stars). 2 submissions from 2 submitters: Uncertain significance (2). Last evaluated 2025-05-27.

Conditions:
Alport syndrome. Also called: Hemorrhagic familial nephritis; Hemorrhagic hereditary nephritis; Congenital hereditary hematuria. Identifiers: Orphanet 63, MedGen C1567741, MONDO:0018965.

Allele frequency attached by ClinVar (database versions not stated): gnomAD 0.00001 and 0.00002; TOPMed 0.00001; gnomAD exomes 0.00002; ExAC 0.00003.
gnomAD v4.1: 14 of 1,609,724 alleles (0.00087%); highest among the groups gnomAD compares: Non-Finnish European, 0.0011%; no homozygotes.

Submissions (2):

GeneDx
Classification: Uncertain significance. Last evaluated: 2025-05-27. Review status: criteria provided, single submitter. Criteria: GeneDx Variant Classification Process June 2021. Collection method: clinical testing. Allele origin: germline. Affected: yes.
Comment: Reported in an individual with microscopic hematuria who harbored another COL4A4 variant in cis, which was reported as the likely causative variant (PMID: 28632965); In silico analysis suggests that this missense variant does not alter protein structure/function; This variant is associated with the following publications: (PMID: 28632965)

Illumina Laboratory Services, Illumina
Classification: Uncertain significance for Alport syndrome. Last evaluated: 2017-04-28. Review status: criteria provided, single submitter. Criteria: ICSL Variant Classification Criteria 13 December 2019. Collection method: clinical testing. Allele origin: germline.

NM_000092.5(COL4A4):c.88C>T (p.Leu30Phe)

Gene: COL4A4 (collagen type IV alpha 4 chain; minus strand). Cytogenetic location: 2q36.3.
Variant type: single nucleotide variant.
Coding change: c.88C>T on transcript NM_000092.5 (MANE Select); coding-DNA position 88, C replaced by T.
Protein change: p.Leu30Phe; replaces leucine 30 with phenylalanine.
Molecular consequence: missense variant.
Genome position (GRCh38, 1-based): chr2:227,144,542, G>A on the plus strand (C>T on the coding strand, the complement: COL4A4 is on the minus strand). VCF-style: chr2-227144542-G-A. GRCh37 (hg19) VCF-style: chr2-228009258-G-A.
Other names: short protein forms L30F.
Identifiers: ClinVar variation 895854 (VCV000895854.5), dbSNP rs758174051, ClinGen allele CA2145811.